The following is an entry in ClinVar:

ClinVar aggregate classification (germline): Uncertain significance (1 of 4 stars; one submission).

Conditions:
Inborn genetic diseases. Identifiers: MedGen C0950123, MeSH D030342.

Allele frequency attached by ClinVar (database versions not stated): gnomAD 0.00001.
gnomAD v4.1: 10 of 1,613,992 alleles (0.00062%); highest among the groups gnomAD compares: South Asian, 0.0022%; no homozygotes.

Submission:

Ambry Genetics
Classification: Uncertain significance for Inborn genetic diseases. Last evaluated: 2022-01-12. Review status: criteria provided, single submitter. Criteria: Ambry Variant Classification Scheme 2023. Collection method: clinical testing. Allele origin: germline.
Comment: Occurs in the last base pair of the exon Based on insufficient or conflicting evidence, the clinical significance of this alteration remains unclear.

NM_001160372.4(TRAPPC9):c.1981G>A (p.Gly661Ser)

Gene: TRAPPC9 (trafficking protein particle complex subunit 9; minus strand). Cytogenetic location: 8q24.3.
Variant type: single nucleotide variant.
Coding change: c.1981G>A on transcript NM_001160372.4 (MANE Select); coding-DNA position 1981, G replaced by A.
Protein change: p.Gly661Ser; replaces glycine 661 with serine.
Molecular consequence: missense variant. On other transcripts: non-coding transcript variant (1).
Genome position (GRCh38, 1-based): chr8:140,287,608, C>T on the plus strand (G>A on the coding strand, the complement: TRAPPC9 is on the minus strand). VCF-style: chr8-140287608-C-T. GRCh37 (hg19) VCF-style: chr8-141297707-C-T.
Other names: c.1954G>A, p.Gly652Ser (NM_001321646.2); c.2002G>A, p.Gly668Ser (NM_001374682.1); c.1981G>A, p.Gly661Ser (NM_001374683.1, NM_031466.8); c.1837G>A, p.Gly613Ser (NM_001374684.1); short protein forms G668S, G613S, G652S, G661S.
Identifiers: ClinVar variation 2410020 (VCV002410020.2), dbSNP rs1454037238, ClinGen allele CA372315282.